The following is an entry in ClinVar:

ClinVar aggregate classification (germline): Likely pathogenic (1 of 4 stars; one submission).

Submission:

Labcorp Genetics (formerly Invitae), Labcorp
Classification: Likely pathogenic. Last evaluated: 2025-07-27. Review status: criteria provided, single submitter. Criteria: Invitae Variant Classification Sherloc (09022015). Collection method: clinical testing. Allele origin: germline.
Comment: This sequence change affects an acceptor splice site in intron 2 of the LRRK1 gene. It is expected to disrupt RNA splicing. Variants that disrupt the donor or acceptor splice site typically lead to a loss of protein function (PMID: 16199547), and loss-of-function variants in LRRK1 are known to be pathogenic (PMID: 23526378, 31571209, 32119750). This variant is not present in population databases (gnomAD no frequency). This variant has not been reported in the literature in individuals affected with LRRK1-related conditions. Algorithms developed to predict the effect of sequence changes on RNA splicing suggest that this variant may disrupt the consensus splice site. In summary, the currently available evidence indicates that the variant is pathogenic, but additional data are needed to prove that conclusively. Therefore, this variant has been classified as Likely Pathogenic.

Literature cited by the submitters: PubMed 16199547; PubMed 23526378; PubMed 31571209; PubMed 32119750.

NM_024652.6(LRRK1):c.98-1G>A

Gene: LRRK1 (leucine rich repeat kinase 1; plus strand). Cytogenetic location: 15q26.3.
Variant type: single nucleotide variant.
Coding change: c.98-1G>A on transcript NM_024652.6 (MANE Select); the canonical splice acceptor site of the intron before coding-DNA position 98, G replaced by A.
Molecular consequence: splice acceptor variant.
Genome position (GRCh38, 1-based): chr15:100,973,803, G>A. VCF-style: chr15-100973803-G-A. GRCh37 (hg19) VCF-style: chr15-101514008-G-A.
Identifiers: ClinVar variation 4723729 (VCV004723729.1).